The following is an entry in ClinVar:

NC_000005.10:g.(?_7877934)_(7878332_?)del

Gene: MTRR (5-methyltetrahydrofolate-homocysteine methyltransferase reductase; plus strand). Cytogenetic location: 5p15.31.
Variant type: Deletion.
Identifiers: ClinVar variation 833249 (VCV000833249.5).

ClinVar aggregate classification (germline): Pathogenic (1 of 4 stars; one submission).

Conditions:
Methylcobalamin deficiency type cblE (HMAE). Also called: HOMOCYSTINURIA-MEGALOBLASTIC ANEMIA, cblE COMPLEMENTATION TYPE; HOMOCYSTINURIA-MEGALOBLASTIC ANEMIA, cblE TYPE; VITAMIN B12-RESPONSIVE HOMOCYSTINURIA, cblE TYPE. Identifiers: Orphanet 2169, Orphanet 622, MedGen C1856057, MONDO:0009354, OMIM 236270.

Submission:

Labcorp Genetics (formerly Invitae), Labcorp
Classification: Pathogenic for Methylcobalamin deficiency type cblE. Last evaluated: 2019-10-31. Review status: criteria provided, single submitter. Criteria: Invitae Variant Classification Sherloc (09022015). Collection method: clinical testing. Allele origin: germline.
Comment: This variant is an out-of-frame deletion of the genomic region encompassing exon 5 of the MTRR gene. This is expected to create a premature translational stop signal and result in an absent or disrupted protein product. This variant has not been reported in the literature in individuals with MTRR-related conditions. Loss-of-function variants in MTRR are known to be pathogenic (PMID: 15714522). For these reasons, this variant has been classified as Pathogenic.

Literature cited by the submitters: PubMed 15714522.